The following is an entry in ClinVar:

ClinVar aggregate classification (germline): Pathogenic. Review status: reviewed by expert panel (3 of 4 stars). 5 submissions from 5 submitters: Pathogenic (1). 4 of the submissions do not count toward it. Last evaluated 2025-01-07.

Conditions:
Autosomal recessive limb-girdle muscular dystrophy. Identifiers: Orphanet 102015, MedGen C2931907, MONDO:0015152.
Autosomal recessive limb-girdle muscular dystrophy type 2D (LGMDR3). Also called: MUSCULAR DYSTROPHY, LIMB-GIRDLE, AUTOSOMAL RECESSIVE 3; ADHALINOPATHY, PRIMARY; DUCHENNE-LIKE AUTOSOMAL RECESSIVE MUSCULAR DYSTROPHY, TYPE 2. Identifiers: Orphanet 62, MedGen C2936332, MONDO:0011968, OMIM 608099. Disease mechanism: Affects gamma-sarcoglycan and also disrupts the integrity of the entire sarcoglycan complex..

Allele frequency attached by ClinVar (database versions not stated): gnomAD 0.00001; TOPMed 0.00002.
gnomAD v4.1: 1 of 1,613,608 alleles (0.000062%); highest among the groups gnomAD compares: African/African-American, 0.0013%; no homozygotes.

Submissions (5):

ClinGen Limb Girdle Muscular Dystrophy Variant Curation Expert Panel, ClinGen
Classification: Pathogenic for Autosomal recessive limb-girdle muscular dystrophy. Last evaluated: 2025-01-07. Review status: reviewed by expert panel. Criteria: ClinGen LGMD VCEP ACMG Specifications SGCA V1.0.0. Collection method: curation. Allele origin: germline. Inheritance: Autosomal recessive inheritance.
Comment: The NM_000023.4: c.585-1G>A variant in SGCA occurs within the canonical splice acceptor site (-1) of intron 5. It is predicted to cause skipping of biologically relevant exon 6/10, resulting in a frameshift leading to nonsense mediated decay in a gene in which loss of function is an established disease mechanism (PVS1). The highest population minor allele frequency in gnomAD v3.1.2 is 0.00002 (1/41404 alleles) in the African American population, which is below the LGMD VCEP threshold (<0.00009), meeting this criterion (PM2_Supporting). In summary, this variant meets the criteria to be classified as Pathogenic for autosomal recessive limb girdle muscular dystrophy based on the ACMG/AMP criteria applied, as specified by the ClinGen LGMD VCEP (LGMD VCEP specifications version 1.0.0; 01/07/2025): PVS1, PP4_Strong, PM2_Supporting.

Genome-Nilou Lab
Classification: Pathogenic for Autosomal recessive limb-girdle muscular dystrophy type 2D. Last evaluated: 2023-02-08. Review status: criteria provided, single submitter. Criteria: ACMG Guidelines, 2015. Collection method: clinical testing. Allele origin: germline. Not counted in ClinVar's aggregate classification.

Labcorp Genetics (formerly Invitae), Labcorp
Classification: Likely pathogenic for Autosomal recessive limb-girdle muscular dystrophy type 2D. Last evaluated: 2022-09-13. Review status: criteria provided, single submitter. Criteria: Invitae Variant Classification Sherloc (09022015). Collection method: clinical testing. Allele origin: germline. Not counted in ClinVar's aggregate classification.
Comment: This sequence change affects an acceptor splice site in intron 5 of the SGCA gene. It is expected to disrupt RNA splicing. Variants that disrupt the donor or acceptor splice site typically lead to a loss of protein function (PMID: 16199547), and loss-of-function variants in SGCA are known to be pathogenic (PMID: 9192266). This variant is not present in population databases (gnomAD no frequency). Disruption of this splice site has been observed in individual(s) with clinical features of limb-girdle muscular dystrophy (Invitae). ClinVar contains an entry for this variant (Variation ID: 497672). Algorithms developed to predict the effect of sequence changes on RNA splicing suggest that this variant may disrupt the consensus splice site. In summary, the currently available evidence indicates that the variant is pathogenic, but additional data are needed to prove that conclusively. Therefore, this variant has been classified as Likely Pathogenic.

Revvity Omics, Revvity
Classification: Pathogenic for Autosomal recessive limb-girdle muscular dystrophy type 2D. Last evaluated: 2019-02-20. Review status: criteria provided, single submitter. Criteria: ACMG Guidelines, 2015. Collection method: clinical testing. Allele origin: germline. Not counted in ClinVar's aggregate classification.

Eurofins Ntd Llc (ga)
Classification: Pathogenic. Last evaluated: 2016-10-10. Review status: criteria provided, single submitter. Criteria: EGL Classification Definitions 2015. Collection method: clinical testing. Allele origin: germline. Observed: 1 variant allele, 1 heterozygote. Not counted in ClinVar's aggregate classification.

Literature cited by the submitters: PubMed 16199547 (cited by Labcorp Genetics (formerly Invitae), Labcorp); PubMed 9192266 (cited by Labcorp Genetics (formerly Invitae), Labcorp).

NM_000023.4(SGCA):c.585-1G>A

Gene: SGCA (sarcoglycan alpha; plus strand). Cytogenetic location: 17q21.33.
Variant type: single nucleotide variant.
Coding change: c.585-1G>A on transcript NM_000023.4 (MANE Select); the canonical splice acceptor site of the intron before coding-DNA position 585, G replaced by A.
Molecular consequence: splice acceptor variant. On other transcripts: intron variant (1).
Genome position (GRCh38, 1-based): chr17:50,169,091, G>A. VCF-style: chr17-50169091-G-A. GRCh37 (hg19) VCF-style: chr17-48246452-G-A.
Other names: c.584+519G>A (NM_001135697.3).
Identifiers: ClinVar variation 497672 (VCV000497672.12), dbSNP rs1342189589, ClinGen allele CA400180251.
Genomic context (GRCh38, chr17:50,169,091, plus strand): 5'-AGAGTGGTGCCTCGTGCCCCCTGCCCCCACTCTGCTGACAGTGACTTCTATCTGGTCCCA[G>A]GGTATACATTAAGGTGGGTTCTGCCTCACCTTTTTCTACTTGCCTGAAGATGGTGGCATC-3'